The following is an entry in ClinVar:

NM_000268.4(NF2):c.568G>A (p.Ala190Thr)

Gene: NF2 (NF2, moesin-ezrin-radixin like (MERLIN) tumor suppressor; plus strand). Cytogenetic location: 22q12.2.
Variant type: single nucleotide variant.
Coding change: c.568G>A on transcript NM_000268.4 (MANE Select); coding-DNA position 568, G replaced by A.
Protein change: p.Ala190Thr; replaces alanine 190 with threonine.
Molecular consequence: missense variant. On other transcripts: intron variant (1).
Genome position (GRCh38, 1-based): chr22:29,655,645, G>A. VCF-style: chr22-29655645-G-A. GRCh37 (hg19) VCF-style: chr22-30051634-G-A.
Other names: c.454G>A, p.Ala152Thr (NM_001407053.1, NM_001407056.1); c.445G>A, p.Ala149Thr (NM_001407054.1, NM_001407058.1, NM_001407062.1 and 1 more transcripts); c.442G>A, p.Ala148Thr (NM_001407055.1, NM_181828.3); c.568G>A, p.Ala190Thr (NM_001407057.1, NM_001407059.1, NM_001407060.1 and 4 more transcripts); c.319G>A, p.Ala107Thr (NM_001407063.1, NM_001407064.1, NM_181830.3 and 1 more transcripts); c.34G>A, p.Ala12Thr (NM_001407065.1); c.337G>A, p.Ala113Thr (NM_001407067.1); c.447+13360G>A (NM_181833.3); short protein forms A107T, A12T, A148T, A149T, A190T, A152T, A113T.
Identifiers: ClinVar variation 5025697 (VCV005025697.1).
Genomic context (GRCh38, chr22:29,655,645, plus strand): 5'-TTTTGGTAGGTAATAAATCTGTATCAGATGACTCCGGAAATGTGGGAGGAGAGAATTACT[G>A]CTTGGTACGCAGAGCACCGAGGCCGAGCCAGGTGAGGCCCATTCATTGTTGGTTTACATT-3'
Protein context (NP_000259.1, residues 180-200): TPEMWEERIT[Ala190Thr]WYAEHRGRAR

ClinVar aggregate classification (germline): Uncertain significance (1 of 4 stars; one submission).

Conditions:
Hereditary cancer-predisposing syndrome. Also called: Neoplastic Syndromes, Hereditary; Tumor predisposition; Hereditary neoplastic syndrome; Hereditary Cancer Syndrome. Identifiers: Orphanet 140162, MedGen C0027672, MeSH D009386, MONDO:0015356.

Submission:

Ambry Genetics
Classification: Uncertain significance for Hereditary cancer-predisposing syndrome. Last evaluated: 2026-07-07. Review status: criteria provided, single submitter. Criteria: Ambry Variant Classification Scheme 2023. Collection method: clinical testing. Allele origin: germline.
Comment: The p.A190T variant (also known as c.568G>A), located in coding exon 6 of the NF2 gene, results from a G to A substitution at nucleotide position 568. The alanine at codon 190 is replaced by threonine, an amino acid with similar properties. This amino acid position is conserved. In addition, this alteration is predicted to be tolerated by in silico analysis. Based on the available evidence, the clinical significance of this variant remains unclear.